The following is an entry in ClinVar:

ClinVar aggregate classification (germline): Pathogenic/Likely pathogenic. Review status: criteria provided, multiple submitters, no conflicts (2 of 4 stars). 7 submissions from 7 submitters: Pathogenic (5); Likely pathogenic (2). Last evaluated 2023-06-12.

Conditions:
Wieacker-Wolff syndrome, female-restricted (WRWFFR). Identifiers: MedGen C5393303, MONDO:0026762, OMIM 301041.
Inborn genetic diseases. Identifiers: MedGen C0950123, MeSH D030342.
Wieacker-Wolff syndrome. Also called: Wieacker-Wolff, X-linked recessive; Intellectual disability-developmental delay-contractures syndrome; APRAXIA, OCULOMOTOR, WITH CONGENITAL CONTRACTURES AND MUSCLE ATROPHY; CONTRACTURES OF FEET, MUSCLE ATROPHY, AND OCULOMOTOR APRAXIA; Miles-Carpenter syndrome; MENTAL RETARDATION, X-LINKED, SYNDROMIC 4. Identifiers: Orphanet 3454, Orphanet 85283, MedGen C0796200, MONDO:0010758, OMIM 314580.

Submissions (7):

GeneDx
Classification: Pathogenic. Last evaluated: 2023-06-12. Review status: criteria provided, single submitter. Criteria: GeneDx Variant Classification Process June 2021. Collection method: clinical testing. Allele origin: germline. Affected: yes.
Comment: Nonsense variant predicted to result in protein truncation or nonsense mediated decay in a gene for which loss-of-function is a known mechanism of disease; Published functional studies demonstrate a damaging effect: a truncated protein with altered subcellular localization (Wang et al., 2020); Not observed in large population cohorts (gnomAD); This variant is associated with the following publications: (PMID: 31349857, 31885220, 33949289, 36250278, 31206972)

Broad Center for Mendelian Genomics, Broad Institute of MIT and Harvard
Classification: Pathogenic for Wieacker-Wolff syndrome, female-restricted. Last evaluated: 2023-01-24. Review status: criteria provided, single submitter. Criteria: ACMG Guidelines, 2015. Collection method: curation. Allele origin: germline. Inheritance: X-linked inheritance.
Comment: Trio exome analysis showed this variant to be de novo. The p.Arg67Ter variant in ZC4H2 has been previously reported in two individuals with Wieacker-Wolff syndrome (PMID: 31206972; PMID: 31885220). This variant was found to be de novo in two individuals with confirmed paternity and maternity (PMID: 31206972; PMID: 31885220). This variant was absent from large population studies. This variant has also been reported in ClinVar (Variation ID: 429826) and has been interpreted as pathogenic by GeneDx, Fulgent Genetics, and Ambry Genetics and as likely pathogenic by Center for Pediatric Genomic Medicine,Children's Mercy Hospital and Clinics and Mendelics. In vitro functional studies provide some evidence that the p.Arg67Ter variant may impact protein function (PMID: 31885220). However, these types of assays may not accurately represent biological function. This nonsense variant leads to a premature termination codon at position 67, which is predicted to lead to a truncated or absent protein. Heterozygous loss of function of the ZC4H2 gene is an established disease mechanism in female-restricted Wieacker-Wolff syndrome. In summary, this variant meets criteria to be classified as pathogenic for female-restricted Wieacker-Wolff syndrome. ACMG/AMP Criteria applied: PVS1, PS2, PS3_Supporting, PS4_Supporting, PM2_Supporting (Richards 2015).

Mendelics
Classification: Likely pathogenic for Wieacker-Wolff syndrome. Last evaluated: 2019-05-28. Review status: criteria provided, single submitter. Criteria: Mendelics Assertion Criteria 2017. Collection method: clinical testing. Allele origin: unknown.

Fulgent Genetics
Classification: Pathogenic for Wieacker-Wolff syndrome. Last evaluated: 2018-10-31. Review status: criteria provided, single submitter. Criteria: ACMG Guidelines, 2015. Collection method: clinical testing. Allele origin: unknown.

Ambry Genetics
Classification: Pathogenic for Inborn genetic diseases. Last evaluated: 2018-09-06. Review status: criteria provided, single submitter. Criteria: Ambry exome assertion method (8-5-2015). Collection method: clinical testing. Allele origin: germline. Affected: yes. Observed: 1 variant allele.

Center for Pediatric Genomic Medicine, Children's Mercy Hospital and Clinics
Classification: Likely pathogenic. Last evaluated: 2017-04-13. Review status: criteria provided, single submitter. Criteria: ACMG Guidelines, 2015. Collection method: clinical testing. Allele origin: germline.

Lifecell International Pvt. Ltd
Classification: Pathogenic for Wieacker-Wolff syndrome, female-restricted. Review status: criteria provided, single submitter. Criteria: ACMG Guidelines, 2015. Collection method: clinical testing. Allele origin: germline. Inheritance: X-linked dominant inheritance. Affected: yes. Observed: 1 heterozygote.
Comment: A Heterozygous Nonsense variant c.199C>T in Exon 2 of the ZC4H2 gene that results in the amino acid substitution p.Arg67* was identified. The observed variant is novel in gnomAD exomes and genomes. The severity of the impact of this variant on the protein is high, based on the effect of the protein and REVEL score. Rare Exome Variant Ensemble Learner (REVEL) is an ensembl method for predicting the pathogenicity of missense variants based on a combination of scores from 13 individual tools: MutPred, FATHMM v2.3, VEST 3.0, PolyPhen-2, SIFT, PROVEAN, MutationAssessor, MutationTaster, LRT, GERP++, SiPhy, phyloP, and phastCons. The REVEL score for an individual missense variant can range from 0 to 1, with higher scores reflecting greater likelihood that the variant is disease-causing. ClinVar has also classified this variant as Pathogenic/ Likely Pathogenic [Variation ID:429826]. The observed variant has been previously reported in patients affected with arthrogryposis multiplex congenita (Frints, Suzanna G M et al., 2019). For these reasons, this variant has been classified as Pathogenic.

Literature cited by the submitters: PubMed 31206972 (cited by Lifecell International Pvt. Ltd).

NM_018684.4(ZC4H2):c.199C>T (p.Arg67Ter)

Gene: ZC4H2 (zinc finger C4H2-type containing; minus strand). Cytogenetic location: Xq11.2.
Variant type: single nucleotide variant.
Coding change: c.199C>T on transcript NM_018684.4 (MANE Select); coding-DNA position 199, C replaced by T.
Protein change: p.Arg67Ter; replaces arginine 67 with a stop codon.
Molecular consequence: nonsense. On other transcripts: non-coding transcript variant (1).
Genome position (GRCh38, 1-based): chrX:64,921,843, G>A on the plus strand (C>T on the coding strand, the complement: ZC4H2 is on the minus strand). VCF-style: chrX-64921843-G-A. GRCh37 (hg19) VCF-style: chrX-64141723-G-A.
Other names: NM_018684.4(ZC4H2):c.199C>T; p.Arg67Ter; c.130C>T, p.Arg44Ter (NM_001178032.3, NM_001243804.2); c.199C>T, p.Arg67Ter (NM_001178033.3); short protein forms R67*, R44*.
Identifiers: ClinVar variation 429826 (VCV000429826.12), dbSNP rs1131691616, ClinGen allele CA413412148.